The following is an entry in ClinVar:

ClinVar aggregate classification (germline): Pathogenic/Likely pathogenic. Review status: criteria provided, multiple submitters, no conflicts (2 of 4 stars). 2 submissions from 2 submitters: Pathogenic (1); Likely pathogenic (1). Last evaluated 2022-11-09.

Submissions (2):

Labcorp Genetics (formerly Invitae), Labcorp
Classification: Pathogenic. Last evaluated: 2022-11-09. Review status: criteria provided, single submitter. Criteria: Invitae Variant Classification Sherloc (09022015). Collection method: clinical testing. Allele origin: germline.
Comment: For these reasons, this variant has been classified as Pathogenic. This sequence change creates a premature translational stop signal (p.Lys429Asnfs*2) in the PPOX gene. While this is not anticipated to result in nonsense mediated decay, it is expected to disrupt the last 49 amino acid(s) of the PPOX protein. This variant is not present in population databases (gnomAD no frequency). This premature translational stop signal has been observed in individual(s) with variegate porphyria (PMID: 10486317). This variant disrupts a region of the PPOX protein in which other variant(s) (p.Gln435*) have been determined to be pathogenic (PMID: 10486317, 11348478). This suggests that this is a clinically significant region of the protein, and that variants that disrupt it are likely to be disease-causing.

GeneDx
Classification: Likely pathogenic. Last evaluated: 2022-07-28. Review status: criteria provided, single submitter. Criteria: GeneDx Variant Classification Process June 2021. Collection method: clinical testing. Allele origin: germline. Affected: yes.
Comment: Frameshift variant predicted to result in protein truncation, as the last 49 amino acids are replaced with 1 different amino acids, and other loss-of-function variants have been reported downstream in HGMD; Not observed at significant frequency in large population cohorts (gnomAD); This variant is associated with the following publications: (PMID: 10486317)

Literature cited by the submitters: PubMed 10486317 (cited by Labcorp Genetics (formerly Invitae), Labcorp); PubMed 11348478 (cited by Labcorp Genetics (formerly Invitae), Labcorp).

NM_001122764.3(PPOX):c.1287del (p.Lys429fs)

Gene: PPOX (protoporphyrinogen oxidase; plus strand). Cytogenetic location: 1q23.3.
Variant type: Deletion.
Coding change: c.1287del on transcript NM_001122764.3 (MANE Select); coding-DNA position 1287, one base deleted (A; older notation c.1287delA).
Protein change: p.Lys429fs; shifts the reading frame from lysine 429.
Molecular consequence: frameshift variant.
Genome position (GRCh38, 1-based): chr1:161,170,945, A deleted; the last of 5 consecutive A bases (chr1:161,170,941-161,170,945); deleting any one gives the same sequence. VCF-style (leftmost placement, unchanged base first): chr1-161170940-CA-C. GRCh37 (hg19) VCF-style: chr1-161140730-CA-C.
Other names: c.1287del (NM_000309.3); c.1287del, p.Lys429fs (NM_000309.5, NM_001365398.1); c.1188del, p.Lys396fs (NM_001350128.2); c.879del, p.Lys293fs (NM_001350129.2, NM_001365400.1); c.801del, p.Lys267fs (NM_001350130.2, NM_001350131.2, NM_001365401.1); c.1176del, p.Lys392fs (NM_001365399.1); short protein forms K392fs, K396fs, K429fs, K267fs, K293fs.
Identifiers: ClinVar variation 2202874 (VCV002202874.7), dbSNP rs2525361367, ClinGen allele CA2580061344.
Genomic context (GRCh38, chr1:161,170,940, plus strand): 5'-TCCCTGCATCCTCTCCTCTCTTCTCAGAACTGCATTCCCCAGTATACACTAGGTCACTGG[CA>C]AAAACTAGGTAAGTTGGGAAAACAGCTGGGCTGAGGAGGGCCAAGGACATCAGACCCCCA-3'